The following is an entry in ClinVar:

NM_006521.6(TFE3):c.1008C>T (p.Thr336=)

Gene: TFE3 (transcription factor binding to IGHM enhancer 3; minus strand). Cytogenetic location: Xp11.23.
Variant type: single nucleotide variant.
Coding change: c.1008C>T on transcript NM_006521.6 (MANE Select); coding-DNA position 1008, C replaced by T.
Protein change: p.Thr336=; no amino-acid change (threonine 336 retained).
Molecular consequence: synonymous variant.
Genome position (GRCh38, 1-based): chrX:49,033,778, G>A on the plus strand (C>T on the coding strand, the complement: TFE3 is on the minus strand). VCF-style: chrX-49033778-G-A. GRCh37 (hg19) VCF-style: chrX-48891293-G-A.
Other names: c.693C>T, p.Thr231= (NM_001282142.2).
Identifiers: ClinVar variation 5039299 (VCV005039299.1).

ClinVar aggregate classification (germline): Likely benign (1 of 4 stars; one submission).

gnomAD v4.1: 3 of 1,211,492 alleles (0.00025%); highest among the groups gnomAD compares: Non-Finnish European, 0.00034%; no homozygotes.

Submission:

CeGaT Center for Human Genetics Tuebingen
Classification: Likely benign. Last evaluated: 2026-08-01. Review status: criteria provided, single submitter. Criteria: CeGaT Center For Human Genetics Tuebingen Variant Classification Criteria Version 2. Collection method: clinical testing. Allele origin: germline. Affected: yes. Observed: 1 variant allele.
Comment: TFE3: BP4, BP7